The following is an entry in ClinVar:

ClinVar aggregate classification (germline): Pathogenic (1 of 4 stars; one submission).

Conditions:
Congenital myasthenic syndrome 8. Also called: MYASTHENIC SYNDROME, CONGENITAL, DUE TO AGRIN DEFICIENCY; Myasthenic syndrome, congenital, 8, with pre- and postsynaptic defects. Identifiers: Orphanet 590, MedGen C3808739, MONDO:0014052, OMIM 615120.

Submission:

Labcorp Genetics (formerly Invitae), Labcorp
Classification: Pathogenic for Congenital myasthenic syndrome 8. Last evaluated: 2025-05-17. Review status: criteria provided, single submitter. Criteria: Invitae Variant Classification Sherloc (09022015). Collection method: clinical testing. Allele origin: germline.
Comment: This sequence change creates a premature translational stop signal (p.Cys766Trpfs*97) in the AGRN gene. It is expected to result in an absent or disrupted protein product. Loss-of-function variants in AGRN are known to be pathogenic (PMID: 24951643, 31730230, 39807604). This variant is not present in population databases (gnomAD no frequency). This variant has not been reported in the literature in individuals affected with AGRN-related conditions. For these reasons, this variant has been classified as Pathogenic.

Literature cited by the submitters: PubMed 24951643; PubMed 31730230; PubMed 39807604.

NM_198576.4(AGRN):c.2298del (p.Cys766fs)

Gene: AGRN (agrin; plus strand). Cytogenetic location: 1p36.33.
Variant type: Deletion.
Coding change: c.2298del on transcript NM_198576.4 (MANE Select); coding-DNA position 2298, one base deleted (T; older notation c.2298delT).
Protein change: p.Cys766fs; shifts the reading frame from cysteine 766.
Molecular consequence: frameshift variant.
Genome position (GRCh38, 1-based): chr1:1,045,204, T deleted. VCF-style (leftmost placement, unchanged base first): chr1-1045203-GT-G. GRCh37 (hg19) VCF-style: chr1-980583-GT-G.
Other names: c.2298del, p.Cys766fs (NM_001305275.2); c.1983del, p.Cys661fs (NM_001364727.2); short protein forms C661fs, C766fs.
Identifiers: ClinVar variation 4719352 (VCV004719352.1).